The following is an entry in ClinVar:

NM_020975.6(RET):c.1941C>T (p.Ile647=)

Gene: RET (ret proto-oncogene; plus strand). Cytogenetic location: 10q11.21.
Variant type: single nucleotide variant.
Coding change: c.1941C>T on transcript NM_020975.6 (MANE Select); coding-DNA position 1941, C replaced by T.
Protein change: p.Ile647=; no amino-acid change (isoleucine 647 retained).
Molecular consequence: synonymous variant. On other transcripts: intron variant (4).
Genome position (GRCh38, 1-based): chr10:43,114,541, C>T. VCF-style: chr10-43114541-C-T. GRCh37 (hg19) VCF-style: chr10-43609989-C-T.
Other names: RET, ILE647ILE, 1941C-T; I647I; c.1941C>T, p.Ile647= (NM_000323.2, NM_001406743.1, NM_001406744.1 and 4 more transcripts); c.1179C>T, p.Ile393= (NM_001355216.2); c.1812C>T, p.Ile604= (NM_001406761.1, NM_001406762.1, NM_001406764.1); c.1653C>T, p.Ile551= (NM_001406766.1, NM_001406767.1, NM_001406770.1); c.1545C>T, p.Ile515= (NM_001406769.1, NM_001406772.1); c.1503C>T, p.Ile501= (NM_001406771.1, NM_001406773.1); and 12 more.
Identifiers: ClinVar variation 13939 (VCV000013939.48), dbSNP rs75225191, ClinGen allele CA008451.

ClinVar aggregate classification (germline): Conflicting classifications of pathogenicity. Review status: criteria provided, conflicting classifications (1 of 4 stars). 11 submissions from 11 submitters: Uncertain significance (1); Benign (1); Likely benign (8). 1 of the submissions does not count toward it. Last evaluated 2026-01-13.

Conditions:
RET-related disorder. Also called: RET-related disorders; RET-related condition; RET-related disease.
Hereditary cancer-predisposing syndrome. Also called: Neoplastic Syndromes, Hereditary; Tumor predisposition; Hereditary Cancer Syndrome; Hereditary neoplastic syndrome. Identifiers: Orphanet 140162, MedGen C0027672, MeSH D009386, MONDO:0015356.
Multiple endocrine neoplasia, type 2 (MEN2). Identifiers: Orphanet 653, MedGen C4048306, MONDO:0019003. Disease mechanism: gain of function.
Hirschsprung disease, susceptibility to, 1 (HSCR1). Also called: RET-Related Hirschsprung Disease. Identifiers: Orphanet 388, MedGen C3888239, MONDO:0007723, OMIM 142623.
Multiple endocrine neoplasia type 2A. Also called: MULTIPLE ENDOCRINE NEOPLASIA, TYPE IIA; PTC SYNDROME; SIPPLE SYNDROME; MEN 2A; MEN-2A syndrome; Pheochromocytoma and amyloid producing medullary thyroid carcinoma. Identifiers: Orphanet 247698, Orphanet 653, MedGen C0025268, MeSH D018813, MONDO:0008234, OMIM 171400.

Allele frequency attached by ClinVar (database versions not stated): gnomAD 0.00002 and 0.00004; TOPMed 0.00002; gnomAD exomes 0.00005 and 0.00010; 1000 Genomes Project 30x 0.00016; 1000 Genomes Project 0.00020; ExAC 0.00009.
gnomAD v4.1: 82 of 1,610,644 alleles (0.0051%); highest among the groups gnomAD compares: South Asian, 0.057%; no homozygotes.

Submissions (11):

Labcorp Genetics (formerly Invitae), Labcorp
Classification: Likely benign for Multiple endocrine neoplasia, type 2. Last evaluated: 2026-01-13. Review status: criteria provided, single submitter. Criteria: Invitae Variant Classification Sherloc (09022015). Collection method: clinical testing. Allele origin: germline.

Center for Genomic Medicine, Rigshospitalet, Copenhagen University Hospital
Classification: Likely benign. Last evaluated: 2025-12-29. Review status: criteria provided, single submitter. Criteria: ACMG Guidelines, 2015. Collection method: clinical testing. Allele origin: germline.

Laboratory of Genetics, Children's Clinical University Hospital Latvia
Classification: Likely benign. Last evaluated: 2025-02-16. Review status: criteria provided, single submitter. Criteria: ACMG Guidelines, 2015. Collection method: clinical testing. Allele origin: germline. Affected: yes.

PreventionGenetics, part of Exact Sciences
Classification: Likely benign for RET-related condition. Last evaluated: 2024-11-16. Review status: criteria provided, single submitter. Criteria: ACMG Guidelines, 2015. Collection method: clinical testing. Allele origin: germline.
Comment: This variant is classified as likely benign based on ACMG/AMP sequence variant interpretation guidelines (Richards et al. 2015 PMID: 25741868, with internal and published modifications).

CeGaT Center for Human Genetics Tuebingen
Classification: Likely benign. Last evaluated: 2023-07-01. Review status: criteria provided, single submitter. Criteria: CeGaT Center For Human Genetics Tuebingen Variant Classification Criteria Version 2. Collection method: clinical testing. Allele origin: germline. Affected: yes. Observed: 1 variant allele.
Comment: RET: BP4, BP7

Color Diagnostics, LLC DBA Color Health
Classification: Likely benign for Multiple endocrine neoplasia, type 2. Last evaluated: 2022-11-14. Review status: criteria provided, single submitter. Criteria: ACMG Guidelines, 2015. Collection method: clinical testing. Allele origin: germline.

Sema4
Classification: Likely benign for Hereditary cancer-predisposing syndrome. Last evaluated: 2021-12-13. Review status: criteria provided, single submitter. Criteria: Sema4 Curation Guidelines. Collection method: curation. Allele origin: germline.

Mendelics
Classification: Benign for Multiple endocrine neoplasia type 2A. Last evaluated: 2019-05-28. Review status: criteria provided, single submitter. Criteria: Mendelics Assertion Criteria 2017. Collection method: clinical testing. Allele origin: unknown.

Ambry Genetics
Classification: Likely benign for Hereditary cancer-predisposing syndrome. Last evaluated: 2018-12-31. Review status: criteria provided, single submitter. Criteria: Ambry Variant Classification Scheme 2023. Collection method: clinical testing. Allele origin: germline.

GeneDx
Classification: Uncertain significance. Last evaluated: 2017-09-21. Review status: criteria provided, single submitter. Criteria: GeneDx Variant Classification (06012015). Collection method: clinical testing. Allele origin: germline. Affected: yes.
Comment: This variant is denoted RET c.1941C>T at the DNA level. Although the variant is silent at the coding level, preserving an Isoleucine at codon 647, it has been demonstrated to cause abnormal splicing (Auricchio et al., 1999). It was observed in an individual with Hirschsprung disease who inherited the variant from an unaffected mother. This individual also harbored a paternally inherited variant in a different Hirschsprung-associated gene (EDNRB) (Auricchio et al., 1999). RET c.1941C>T has also been reported in two other individuals with sporadic Hirschsprung disease as well as in one familial case (Sancandi et al., 2000, Fitze et al., 2002, Pelet et al., 2005). However, this variant, has not, to our knowledge, been reported in association with multiple endocrine neoplasia type 2 (MEN2). RET c.1941C>T was observed with an allele frequency of 0.05% (9/16,508) in individuals of South Asian ancestry in the ExAC dataset (Lek et al., 2016). The nucleotide which is altered, a cytosine (C) at base 1941, is not conserved. Based on currently available evidence, it is unclear whether RET c.1941C>T is a pathogenic or benign variant. We consider it to be a variant of uncertain significance.

OMIM
Classification: risk factor for HIRSCHSPRUNG DISEASE, SUSCEPTIBILITY TO, 1. Last evaluated: 1999-04-01. Review status: no assertion criteria provided. Collection method: literature only. Allele origin: germline. Not counted in ClinVar's aggregate classification.

Literature cited by the submitters: PubMed 10090908 (cited by OMIM); PubMed 8084609 (cited by OMIM).